The following is an entry in ClinVar:

ClinVar aggregate classification (germline): Likely benign. Review status: criteria provided, multiple submitters, no conflicts (2 of 4 stars). 3 submissions from 3 submitters: Likely benign (3). Last evaluated 2026-09-25.

Conditions:
Neuropathy, hereditary motor and sensory, type 6B (HMSN6B). Also called: HMSN VIB; CHARCOT-MARIE-TOOTH DISEASE, TYPE 6B; NEUROPATHY, HEREDITARY MOTOR AND SENSORY, TYPE VIB, WITH OPTIC ATROPHY; Neuropathy, hereditary motor and sensory, type VIB. Identifiers: MedGen C4225302, MONDO:0014671, OMIM 616505.
SLC25A46-related disorder. Also called: SLC25A46-related condition.

Allele frequency attached by ClinVar (database versions not stated): gnomAD 0.00003; TOPMed 0.00006.
gnomAD v4.1: 56 of 1,613,610 alleles (0.0035%); highest among the groups gnomAD compares: Non-Finnish European, 0.0045%; no homozygotes.

Submissions (3):

PreventionGenetics, part of Exact Sciences
Classification: Likely benign for SLC25A46-related condition. Last evaluated: 2026-09-25. Review status: criteria provided, single submitter. Criteria: ACMG Guidelines, 2015. Collection method: clinical testing. Allele origin: germline.
Comment: This variant is classified as likely benign based on ACMG/AMP sequence variant interpretation guidelines (Richards et al. 2015 PMID: 25741868, with internal and published modifications).

Labcorp Genetics (formerly Invitae), Labcorp
Classification: Likely benign for Neuropathy, hereditary motor and sensory, type 6B. Last evaluated: 2025-07-14. Review status: criteria provided, single submitter. Criteria: Invitae Variant Classification Sherloc (09022015). Collection method: clinical testing. Allele origin: germline.

Blueprint Genetics
Classification: Likely benign. Last evaluated: 2021-11-12. Review status: criteria provided, single submitter. Criteria: ACMG Guidelines, 2015. Collection method: clinical testing. Allele origin: germline.

NM_138773.4(SLC25A46):c.780G>A (p.Pro260=)

Gene: SLC25A46 (solute carrier family 25 member 46; plus strand). Cytogenetic location: 5q22.1.
Variant type: single nucleotide variant.
Coding change: c.780G>A on transcript NM_138773.4 (MANE Select); coding-DNA position 780, G replaced by A.
Protein change: p.Pro260=; no amino-acid change (proline 260 retained).
Molecular consequence: synonymous variant. On other transcripts: non-coding transcript variant (1), intron variant (1).
Genome position (GRCh38, 1-based): chr5:110,761,305, G>A. VCF-style: chr5-110761305-G-A. GRCh37 (hg19) VCF-style: chr5-110097005-G-A.
Other names: c.507G>A, p.Pro169= (NM_001303250.3); c.679-142G>A (NM_001303249.3); c.780G>A (NM_138773.3).
Identifiers: ClinVar variation 755232 (VCV000755232.13), dbSNP rs766154121, ClinGen allele CA3364745.